The following is an entry in ClinVar:

ClinVar aggregate classification (germline): Uncertain significance. Review status: criteria provided, single submitter (1 of 4 stars). 2 submissions from 2 submitters: Uncertain significance (1). 1 of the submissions does not count toward it. Last evaluated 2025-09-11.

Conditions:
Retinal dystrophy. Also called: Inherited retinal dystrophy. Identifiers: Orphanet 71862, MedGen C0854723, MeSH D058499, MONDO:0019118, HP:0000556.

Allele frequency attached by ClinVar (database versions not stated): gnomAD 0.00001; TOPMed 0.00001; ExAC 0.00002; gnomAD exomes 0.00002.
gnomAD v4.1: 33 of 1,613,546 alleles (0.002%); highest among the groups gnomAD compares: Middle Eastern, 0.033%; no homozygotes.

Submissions (2):

Labcorp Genetics (formerly Invitae), Labcorp
Classification: Uncertain significance. Last evaluated: 2025-09-11. Review status: criteria provided, single submitter. Criteria: Invitae Variant Classification Sherloc (09022015). Collection method: clinical testing. Allele origin: germline.
Comment: This sequence change replaces proline, which is neutral and non-polar, with serine, which is neutral and polar, at codon 364 of the ADGRA3 protein (p.Pro364Ser). This variant is present in population databases (rs764372193, gnomAD 0.003%). This variant has not been reported in the literature in individuals affected with ADGRA3-related conditions. ClinVar contains an entry for this variant (Variation ID: 2167426). An algorithm developed to predict the effect of missense changes on protein structure and function (PolyPhen-2) suggests that this variant is likely to be disruptive. In summary, the available evidence is currently insufficient to determine the role of this variant in disease. Therefore, it has been classified as a Variant of Uncertain Significance.

Institute of Human Genetics, Univ. Regensburg, Univ. Regensburg
Classification: Uncertain significance for Retinal dystrophy. Last evaluated: 2022-01-01. Review status: no assertion criteria provided. Criteria: ACMG Guidelines, 2015. Collection method: clinical testing. Allele origin: germline. Affected: yes. Not counted in ClinVar's aggregate classification.

NM_145290.4(ADGRA3):c.1090C>T (p.Pro364Ser)

Gene: ADGRA3 (adhesion G protein-coupled receptor A3; minus strand). Cytogenetic location: 4p15.2.
Variant type: single nucleotide variant.
Coding change: c.1090C>T on transcript NM_145290.4 (MANE Select); coding-DNA position 1090, C replaced by T.
Protein change: p.Pro364Ser; replaces proline 364 with serine.
Molecular consequence: missense variant.
Genome position (GRCh38, 1-based): chr4:22,436,637, G>A on the plus strand (C>T on the coding strand, the complement: ADGRA3 is on the minus strand). VCF-style: chr4-22436637-G-A. GRCh37 (hg19) VCF-style: chr4-22438260-G-A.
Other names: short protein forms P364S.
Identifiers: ClinVar variation 2167426 (VCV002167426.5), dbSNP rs764372193, ClinGen allele CA2874040.